The following is an entry in ClinVar:

ClinVar aggregate classification (germline): Uncertain significance. Review status: criteria provided, multiple submitters, no conflicts (2 of 4 stars). 2 submissions from 2 submitters: Uncertain significance (2). Last evaluated 2024-04-06.

Conditions:
Inborn genetic diseases. Identifiers: MedGen C0950123, MeSH D030342.
Deficiency of ferroxidase (ACEP). Also called: Deficiency of ceruloplasmin; Aceruloplasminemia; NEURODEGENERATION WITH BRAIN IRON ACCUMULATION 10; Ceruloplasmin deficiency; Familial apoceruloplasmin deficiency; Hereditary ceruloplasmin deficiency. Identifiers: Orphanet 48818, MedGen C0878682, MONDO:0011426, OMIM 604290, HP:0025498.

Allele frequency attached by ClinVar (database versions not stated): TOPMed below 0.00001.

Submissions (2):

Ambry Genetics
Classification: Uncertain significance for Inborn genetic diseases. Last evaluated: 2024-04-06. Review status: criteria provided, single submitter. Criteria: Ambry Variant Classification Scheme 2023. Collection method: clinical testing. Allele origin: germline.

Labcorp Genetics (formerly Invitae), Labcorp
Classification: Uncertain significance for Deficiency of ferroxidase. Last evaluated: 2021-11-13. Review status: criteria provided, single submitter. Criteria: Invitae Variant Classification Sherloc (09022015). Collection method: clinical testing. Allele origin: germline.
Comment: This sequence change replaces glycine, which is neutral and non-polar, with valine, which is neutral and non-polar, at codon 730 of the CP protein (p.Gly730Val). This variant is not present in population databases (gnomAD no frequency). This variant has not been reported in the literature in individuals affected with CP-related conditions. ClinVar contains an entry for this variant (Variation ID: 1019233). Advanced modeling of protein sequence and biophysical properties (such as structural, functional, and spatial information, amino acid conservation, physicochemical variation, residue mobility, and thermodynamic stability) performed at Invitae indicates that this missense variant is expected to disrupt CP protein function. Algorithms developed to predict the effect of sequence changes on RNA splicing suggest that this variant may create or strengthen a splice site. In summary, the available evidence is currently insufficient to determine the role of this variant in disease. Therefore, it has been classified as a Variant of Uncertain Significance.

NM_000096.4(CP):c.2189G>T (p.Gly730Val)

Gene: CP (ceruloplasmin; minus strand). Cytogenetic location: 3q24.
Variant type: single nucleotide variant.
Coding change: c.2189G>T on transcript NM_000096.4 (MANE Select); coding-DNA position 2189, G replaced by T.
Protein change: p.Gly730Val; replaces glycine 730 with valine.
Molecular consequence: missense variant. On other transcripts: non-coding transcript variant (1).
Genome position (GRCh38, 1-based): chr3:149,185,335, C>A on the plus strand (G>T on the coding strand, the complement: CP is on the minus strand). VCF-style: chr3-149185335-C-A. GRCh37 (hg19) VCF-style: chr3-148903122-C-A.
Other names: c.2189G>T (NM_000096.3); short protein forms G730V.
Identifiers: ClinVar variation 1019233 (VCV001019233.5), dbSNP rs1726090334, ClinGen allele CA354931998.